The following is an entry in ClinVar:

NM_005422.4(TECTA):c.3311G>T (p.Gly1104Val)

Genes: TBCEL-TECTA (TBCEL-TECTA readthrough; plus strand), TECTA (tectorin alpha; plus strand). Cytogenetic location: 11q23.3.
Variant type: single nucleotide variant.
Coding change: c.3311G>T on transcript NM_005422.4 (MANE Select); coding-DNA position 3311, G replaced by T.
Protein change: p.Gly1104Val; replaces glycine 1104 with valine.
Molecular consequence: missense variant.
Genome position (GRCh38, 1-based): chr11:121,137,790, G>T. VCF-style: chr11-121137790-G-T. GRCh37 (hg19) VCF-style: chr11-121008499-G-T.
Other names: c.4268G>T, p.Gly1423Val (NM_001378761.1); short protein forms G1104V, G1423V.
Identifiers: ClinVar variation 3391522 (VCV003391522.3).
Genomic context (GRCh38, chr11:121,137,790, plus strand): 5'-TGGAGGAAGGTGGCCTGTACTACTGCCAAGCCCGCACCGACGCCTCCTGCATCGTCTCAG[G>T]CTACGGCCACTACCTCACCTTTGATGGCTTCCCCTTTGACTTCCAGACCAGCTGCCCACT-3'
Protein context (NP_005413.2, residues 1094-1114): ARTDASCIVS[Gly1104Val]YGHYLTFDGF

ClinVar aggregate classification (germline): Uncertain significance. Review status: criteria provided, multiple submitters, no conflicts (2 of 4 stars). 2 submissions from 2 submitters: Uncertain significance (2). Last evaluated 2026-08-23.

Conditions:
Inborn genetic diseases. Identifiers: MedGen C0950123, MeSH D030342.

gnomAD v4.1: 2 of 1,614,064 alleles (0.00012%); highest among the groups gnomAD compares: Admixed American, 0.0033%; no homozygotes.

Submissions (2):

Ambry Genetics
Classification: Uncertain significance for Inborn genetic diseases. Last evaluated: 2026-08-23. Review status: criteria provided, single submitter. Criteria: Ambry Variant Classification Scheme 2023. Collection method: clinical testing. Allele origin: germline.

GeneDx
Classification: Uncertain significance. Last evaluated: 2026-01-08. Review status: criteria provided, single submitter. Criteria: GeneDx Variant Classification Process June 2021. Collection method: clinical testing. Allele origin: germline.
Comment: Not observed at significant frequency in large population cohorts (gnomAD); In silico analysis supports that this missense variant has a deleterious effect on protein structure/function; Has not been previously published as pathogenic or benign to our knowledge; This variant is associated with the following publications: (PMID: 31554319, 9590290, 21520338)